The following is an entry in ClinVar:

NM_032119.4(ADGRV1):c.7319C>T (p.Ala2440Val)

Gene: ADGRV1 (adhesion G protein-coupled receptor V1; plus strand). Cytogenetic location: 5q14.3.
Variant type: single nucleotide variant.
Coding change: c.7319C>T on transcript NM_032119.4 (MANE Select); coding-DNA position 7319, C replaced by T.
Protein change: p.Ala2440Val; replaces alanine 2440 with valine.
Molecular consequence: missense variant. On other transcripts: non-coding transcript variant (1).
Genome position (GRCh38, 1-based): chr5:90,694,075, C>T. VCF-style: chr5-90694075-C-T. GRCh37 (hg19) VCF-style: chr5-89989892-C-T.
Other names: short protein forms A2440V.
Identifiers: ClinVar variation 1064879 (VCV001064879.3), dbSNP rs2149640041, ClinGen allele CA360376209.

ClinVar aggregate classification (germline): Uncertain significance (1 of 4 stars; one submission).

Conditions:
Hearing impairment. Also called: Impaired Hearing. Identifiers: MedGen C1384666, MONDO:0005365, HP:0000365.

Submission:

Department of Otolaryngology – Head & Neck Surgery, Cochlear Implant Center
Classification: Uncertain significance for Hearing impairment. Last evaluated: 2021-04-12. Review status: criteria provided, single submitter. Criteria: ClinGen HL ACMG Specifications v1. Collection method: clinical testing. Allele origin: germline. Affected: yes.
Comment: PM2_Moderate, PP3_Supporting